The following is an entry in ClinVar:

NM_001372044.2(SHANK3):c.3738G>A (p.Val1246=)

Gene: SHANK3 (SH3 and multiple ankyrin repeat domains 3; plus strand). Cytogenetic location: 22q13.33.
Variant type: single nucleotide variant.
Coding change: c.3738G>A on transcript NM_001372044.2 (MANE Select); coding-DNA position 3738, G replaced by A.
Protein change: p.Val1246=; no amino-acid change (valine 1246 retained).
Molecular consequence: synonymous variant.
Genome position (GRCh38, 1-based): chr22:50,721,346, G>A. VCF-style: chr22-50721346-G-A. GRCh37 (hg19) VCF-style: chr22-51159774-G-A.
Identifiers: ClinVar variation 4823720 (VCV004823720.4).

ClinVar aggregate classification (germline): Likely benign (1 of 4 stars; one submission).

Submission:

CeGaT Center for Human Genetics Tuebingen
Classification: Likely benign. Last evaluated: 2026-03-01. Review status: criteria provided, single submitter. Criteria: CeGaT Center For Human Genetics Tuebingen Variant Classification Criteria Version 2. Collection method: clinical testing. Allele origin: germline. Affected: yes. Observed: 1 variant allele.
Comment: SHANK3: BP4, BP7